The following is an entry in ClinVar:

NM_152743.4(BRAT1):c.1816G>A (p.Gly606Ser)

Gene: BRAT1 (BRCA1 associated ATM activator 1; minus strand). Cytogenetic location: 7p22.3.
Variant type: single nucleotide variant.
Coding change: c.1816G>A on transcript NM_152743.4 (MANE Select); coding-DNA position 1816, G replaced by A.
Protein change: p.Gly606Ser; replaces glycine 606 with serine.
Molecular consequence: missense variant. On other transcripts: non-coding transcript variant (1).
Genome position (GRCh38, 1-based): chr7:2,538,719, C>T on the plus strand (G>A on the coding strand, the complement: BRAT1 is on the minus strand). VCF-style: chr7-2538719-C-T. GRCh37 (hg19) VCF-style: chr7-2578353-C-T.
Other names: c.1996G>A, p.Gly666Ser (NM_001350626.2); c.1291G>A, p.Gly431Ser (NM_001350627.2); short protein forms G666S, G431S, G606S.
Identifiers: ClinVar variation 956805 (VCV000956805.9), dbSNP rs1778894685, ClinGen allele CA366625601.

ClinVar aggregate classification (germline): Uncertain significance (1 of 4 stars; one submission).

Conditions:
Neonatal-onset encephalopathy with rigidity and seizures. Also called: Lethal neonatal spasticity-epileptic encephalopathy syndrome. Identifiers: Orphanet 435845, MedGen C3281029, MONDO:0013784, OMIM 614498.

Submission:

Labcorp Genetics (formerly Invitae), Labcorp
Classification: Uncertain significance for Neonatal-onset encephalopathy with rigidity and seizures. Last evaluated: 2022-03-19. Review status: criteria provided, single submitter. Criteria: Invitae Variant Classification Sherloc (09022015). Collection method: clinical testing. Allele origin: germline.
Comment: This sequence change replaces glycine, which is neutral and non-polar, with serine, which is neutral and polar, at codon 606 of the BRAT1 protein (p.Gly606Ser). In summary, the available evidence is currently insufficient to determine the role of this variant in disease. Therefore, it has been classified as a Variant of Uncertain Significance. Algorithms developed to predict the effect of missense changes on protein structure and function (SIFT, PolyPhen-2, Align-GVGD) all suggest that this variant is likely to be tolerated. ClinVar contains an entry for this variant (Variation ID: 956805). This variant has not been reported in the literature in individuals affected with BRAT1-related conditions. This variant is not present in population databases (gnomAD no frequency).